The following is an entry in ClinVar:

ClinVar aggregate classification (germline): Conflicting classifications of pathogenicity. Review status: criteria provided, conflicting classifications (1 of 4 stars). 3 submissions from 3 submitters: Likely pathogenic (1); Uncertain significance (2). Last evaluated 2026-04-17.

Conditions:
Charcot-Marie-Tooth disease type 2. Also called: Charcot-Marie-Tooth type 2. Identifiers: Orphanet 64746, MedGen C0270914, MONDO:0018993.

Allele frequency attached by ClinVar (database versions not stated): gnomAD exomes below 0.00001.
gnomAD v4.1: 2 of 1,614,188 alleles (0.00012%); highest among the groups gnomAD compares: Non-Finnish European, 0.00017%; no homozygotes.

Submissions (3):

Dasa
Classification: Uncertain significance. Last evaluated: 2026-04-17. Review status: criteria provided, single submitter. Criteria: DASA Assertion Criteria. Collection method: clinical testing. Allele origin: germline.
Comment: NM_014874.4(MFN2):c.700A>G (p.Met234Val) is a missense variant that results in the substitution of methionine with valine. The affected residue or protein region has prior evidence supporting clinical relevance. This variant is rare in population databases. Computational prediction algorithms are consistent with a deleterious effect. The currently available literature and clinical evidence are not sufficient to establish a definitive association between this variant and the reported condition. Therefore, this variant is classified as a variant of uncertain significance.

Athena Diagnostics
Classification: Uncertain significance. Last evaluated: 2025-01-29. Review status: criteria provided, single submitter. Criteria: Athena Diagnostics Criteria. Collection method: clinical testing. Allele origin: unknown.
Comment: Available data are insufficient to determine the clinical significance of the variant at this time. This variant has not been reported in large, multi-ethnic general populations. This variant has been identified in at least one individual with clinical features associated with this gene. Polyphen and MutationTaster yielded discordant predictions regarding whether this amino acid change is damaging to the protein. The variant is located in a region that is considered important for protein function and/or structure.

Labcorp Genetics (formerly Invitae), Labcorp
Classification: Likely pathogenic for Charcot-Marie-Tooth disease type 2. Last evaluated: 2022-11-21. Review status: criteria provided, single submitter. Criteria: Invitae Variant Classification Sherloc (09022015). Collection method: clinical testing. Allele origin: germline.
Comment: In summary, the currently available evidence indicates that the variant is pathogenic, but additional data are needed to prove that conclusively. Therefore, this variant has been classified as Likely Pathogenic. Advanced modeling of protein sequence and biophysical properties (such as structural, functional, and spatial information, amino acid conservation, physicochemical variation, residue mobility, and thermodynamic stability) performed at Invitae indicates that this missense variant is expected to disrupt MFN2 protein function. ClinVar contains an entry for this variant (Variation ID: 1053705). This missense change has been observed in individual(s) with clinical features of autosomal dominant Charcot-Marie-Tooth disease (Invitae). It has also been observed to segregate with disease in related individuals. This variant is not present in population databases (gnomAD no frequency). This sequence change replaces methionine, which is neutral and non-polar, with valine, which is neutral and non-polar, at codon 234 of the MFN2 protein (p.Met234Val).

NM_014874.4(MFN2):c.700A>G (p.Met234Val)

Gene: MFN2 (mitofusin 2; plus strand). Cytogenetic location: 1p36.22.
Variant type: single nucleotide variant.
Coding change: c.700A>G on transcript NM_014874.4 (MANE Select); coding-DNA position 700, A replaced by G.
Protein change: p.Met234Val; replaces methionine 234 with valine.
Molecular consequence: missense variant.
Genome position (GRCh38, 1-based): chr1:11,998,870, A>G. VCF-style: chr1-11998870-A-G. GRCh37 (hg19) VCF-style: chr1-12058927-A-G.
Other names: c.700A>G (NM_014874.3); c.700A>G, p.Met234Val (NM_001127660.2); short protein forms M234V.
Identifiers: ClinVar variation 1053705 (VCV001053705.13), dbSNP rs2100831955, ClinGen allele CA338438564.